The following is an entry in ClinVar:

NM_024649.5(BBS1):c.951+48C>T

Genes: BBS1 (Bardet-Biedl syndrome 1; plus strand), ZDHHC24 (zDHHC palmitoyltransferase 24; minus strand). Cytogenetic location: 11q13.2.
Variant type: single nucleotide variant.
Coding change: c.951+48C>T on transcript NM_024649.5 (MANE Select); 48 bases into the intron after coding-DNA position 951, C replaced by T.
Molecular consequence: intron variant.
Genome position (GRCh38, 1-based): chr11:66,523,624, C>T. VCF-style: chr11-66523624-C-T. GRCh37 (hg19) VCF-style: chr11-66291095-C-T.
Other names: c.*22-2158G>A (NM_001348571.2).
Identifiers: ClinVar variation 3356253 (VCV003356253.1).

ClinVar aggregate classification (germline): Likely benign (0 of 4 stars; one submission).

Conditions:
BBS1-related disorder. Also called: BBS1-related condition.

Submission:

PreventionGenetics, part of Exact Sciences
Classification: Likely benign for BBS1-related condition. Last evaluated: 2023-04-12. Review status: no assertion criteria provided. Collection method: clinical testing. Allele origin: germline.
Comment: This variant is classified as likely benign based on ACMG/AMP sequence variant interpretation guidelines (Richards et al. 2015 PMID: 25741868, with internal and published modifications).